The following is an entry in ClinVar:

ClinVar aggregate classification (germline): Uncertain significance (1 of 4 stars; one submission).

Conditions:
Autosomal recessive severe congenital neutropenia due to CSF3R deficiency. Also called: Neutropenia, severe congenital, 7, autosomal recessive. Identifiers: Orphanet 420702, MedGen C4310764, MONDO:0014865, OMIM 617014.

Submission:

Labcorp Genetics (formerly Invitae), Labcorp
Classification: Uncertain significance for Autosomal recessive severe congenital neutropenia due to CSF3R deficiency. Last evaluated: 2025-10-27. Review status: criteria provided, single submitter. Criteria: Invitae Variant Classification Sherloc (09022015). Collection method: clinical testing. Allele origin: germline.
Comment: This sequence change replaces leucine, which is neutral and non-polar, with valine, which is neutral and non-polar, at codon 635 of the CSF3R protein (p.Leu635Val). This variant is not present in population databases (gnomAD no frequency). This variant has not been reported in the literature in individuals affected with CSF3R-related conditions. Invitae Evidence Modeling of protein sequence and biophysical properties (such as structural, functional, and spatial information, amino acid conservation, physicochemical variation, residue mobility, and thermodynamic stability) indicates that this missense variant is not expected to disrupt CSF3R protein function with a negative predictive value of 80%. In summary, the available evidence is currently insufficient to determine the role of this variant in disease. Therefore, it has been classified as a Variant of Uncertain Significance.

NM_000760.4(CSF3R):c.1903C>G (p.Leu635Val)

Gene: CSF3R (colony stimulating factor 3 receptor; minus strand). Cytogenetic location: 1p34.3.
Variant type: single nucleotide variant.
Coding change: c.1903C>G on transcript NM_000760.4 (MANE Select); coding-DNA position 1903, C replaced by G.
Protein change: p.Leu635Val; replaces leucine 635 with valine.
Molecular consequence: missense variant.
Genome position (GRCh38, 1-based): chr1:36,467,613, G>C on the plus strand (C>G on the coding strand, the complement: CSF3R is on the minus strand). VCF-style: chr1-36467613-G-C. GRCh37 (hg19) VCF-style: chr1-36933214-G-C.
Other names: c.1903C>G, p.Leu635Val (NM_156039.3, NM_172313.3); short protein forms L635V.
Identifiers: ClinVar variation 4705555 (VCV004705555.1).